The following is an entry in ClinVar:

ClinVar aggregate classification (germline): Uncertain significance (1 of 4 stars; one submission).

Allele frequency attached by ClinVar (database versions not stated): gnomAD 0.00005; ExAC 0.00007; 1000 Genomes Project 30x 0.00016.
gnomAD v4.1: 63 of 1,614,194 alleles (0.0039%); highest among the groups gnomAD compares: East Asian, 0.0089%; no homozygotes.

Submission:

Labcorp Genetics (formerly Invitae), Labcorp
Classification: Uncertain significance. Last evaluated: 2022-04-12. Review status: criteria provided, single submitter. Criteria: Invitae Variant Classification Sherloc (09022015). Collection method: clinical testing. Allele origin: germline.
Comment: This sequence change replaces arginine, which is basic and polar, with tryptophan, which is neutral and slightly polar, at codon 276 of the TBXAS1 protein (p.Arg276Trp). This variant is present in population databases (rs761419784, gnomAD 0.03%). This variant has not been reported in the literature in individuals affected with TBXAS1-related conditions. Advanced modeling of protein sequence and biophysical properties (such as structural, functional, and spatial information, amino acid conservation, physicochemical variation, residue mobility, and thermodynamic stability) performed at Invitae indicates that this missense variant is not expected to disrupt TBXAS1 protein function. In summary, the available evidence is currently insufficient to determine the role of this variant in disease. Therefore, it has been classified as a Variant of Uncertain Significance.

NM_001061.7(TBXAS1):c.823C>T (p.Arg275Trp)

Gene: TBXAS1 (thromboxane A synthase 1; plus strand). Cytogenetic location: 7q34.
Variant type: single nucleotide variant.
Coding change: c.823C>T on transcript NM_001061.7 (MANE Select); coding-DNA position 823, C replaced by T.
Protein change: p.Arg275Trp; replaces arginine 275 with tryptophan.
Molecular consequence: missense variant.
Genome position (GRCh38, 1-based): chr7:139,961,922, C>T. VCF-style: chr7-139961922-C-T. GRCh37 (hg19) VCF-style: chr7-139661721-C-T.
Other names: c.766C>T, p.Arg256Trp (NM_001314028.4); c.640C>T, p.Arg214Trp (NM_001366537.3); c.823C>T, p.Arg275Trp (NM_001130966.5, NM_030984.6); c.961C>T, p.Arg321Trp (NM_001166253.4); c.622C>T, p.Arg208Trp (NM_001166254.4); short protein forms R208W, R214W, R322W, R275W, R276W, R256W, R321W.
Identifiers: ClinVar variation 2150262 (VCV002150262.1), dbSNP rs761419784, ClinGen allele CA4511828.
Genomic context (GRCh38, chr7:139,961,922, plus strand): 5'-CCTCACTCTTCATGACTGTAAGGTCAAAATGTGCATTTTTCTCCTTTTGTTCCTTAGAGG[C>T]GGAGAGACTTCCTCCAAATGGTCCTGGATGCCCGACATTCTGCAAGTCCCATGGGCGTGC-3'
Protein context (NP_001052.3, residues 265-285): LRDQQAAEER[Arg275Trp]RDFLQMVLDA